The following is an entry in ClinVar:

NM_000075.4(CDK4):c.-9G>T

Gene: CDK4 (cyclin dependent kinase 4; minus strand). Cytogenetic location: 12q14.1.
Variant type: single nucleotide variant.
Coding change: c.-9G>T on transcript NM_000075.4 (MANE Select); 9 bases upstream of the start codon, G replaced by T.
Molecular consequence: 5 prime UTR variant.
Genome position (GRCh38, 1-based): chr12:57,751,726, C>A on the plus strand (G>T on the coding strand, the complement: CDK4 is on the minus strand). VCF-style: chr12-57751726-C-A. GRCh37 (hg19) VCF-style: chr12-58145509-C-A.
Other names: c.-9G>T (LRG_490t1, NM_000075.3).
Identifiers: ClinVar variation 383316 (VCV000383316.3), dbSNP rs779962297, ClinGen allele CA6657895.

ClinVar aggregate classification (germline): Conflicting classifications of pathogenicity. Review status: criteria provided, conflicting classifications (1 of 4 stars). 3 submissions from 3 submitters: Uncertain significance (1); Likely benign (2). Last evaluated 2026-06-06.

Conditions:
CDK4-related disorder. Also called: CDK4-related condition.

Allele frequency attached by ClinVar (database versions not stated): ExAC 0.00001; gnomAD 0.00001; gnomAD exomes 0.00001; TOPMed 0.00001.
gnomAD v4.1: 24 of 1,613,322 alleles (0.0015%); highest among the groups gnomAD compares: Non-Finnish European, 0.0019%; no homozygotes.

Submissions (3):

PreventionGenetics, part of Exact Sciences
Classification: Likely benign for CDK4-related condition. Last evaluated: 2026-06-06. Review status: criteria provided, single submitter. Criteria: ACMG Guidelines, 2015. Collection method: clinical testing. Allele origin: germline.
Comment: This variant is classified as likely benign based on ACMG/AMP sequence variant interpretation guidelines (Richards et al. 2015 PMID: 25741868, with internal and published modifications).

Quest Diagnostics Nichols Institute San Juan Capistrano
Classification: Uncertain significance. Last evaluated: 2025-09-04. Review status: criteria provided, single submitter. Criteria: Quest Diagnostics criteria. Collection method: clinical testing. Allele origin: unknown.
Comment: The CDK4 c.-9G>T variant has not been reported in individuals with CDK4-related conditions in the published literature. The frequency of this variant in the general population (Genome Aggregation Database) is uninformative in the assessment of its pathogenicity. Based on the available information, we are unable to determine the clinical significance of this variant.

GeneDx
Classification: Likely benign. Last evaluated: 2017-08-11. Review status: criteria provided, single submitter. Criteria: GeneDx Variant Classification (06012015). Collection method: clinical testing. Allele origin: germline. Affected: yes.
Comment: This variant is considered likely benign or benign based on one or more of the following criteria: it is a conservative change, it occurs at a poorly conserved position in the protein, it is predicted to be benign by multiple in silico algorithms, and/or has population frequency not consistent with disease.